The following is an entry in ClinVar:

NM_000138.5(FBN1):c.4748-12T>A

Gene: FBN1 (fibrillin 1; minus strand). Cytogenetic location: 15q21.1.
Variant type: single nucleotide variant.
Coding change: c.4748-12T>A on transcript NM_000138.5 (MANE Select); 12 bases into the intron before coding-DNA position 4748, T replaced by A.
Molecular consequence: intron variant.
Genome position (GRCh38, 1-based): chr15:48,465,870, A>T on the plus strand (T>A on the coding strand, the complement: FBN1 is on the minus strand). VCF-style: chr15-48465870-A-T. GRCh37 (hg19) VCF-style: chr15-48758067-A-T.
Identifiers: ClinVar variation 926372 (VCV000926372.11), dbSNP rs368723745, ClinGen allele CA053611.
Genomic context (GRCh38, chr15:48,465,870, plus strand): 5'-GGATTTGGTCGGAAACCTTCCCCTCCAGGACAAAGAATTTTGTACTCGGCTATTGAAACA[A>T]AAATTCAAATTGAGTTGTTTTGAATCTAAAGTTTTTAGAAATAGTATCCTCAAGAGAAAT-3'

ClinVar aggregate classification (germline): Likely benign. Review status: criteria provided, multiple submitters, no conflicts (2 of 4 stars). 3 submissions from 3 submitters: Likely benign (3). Last evaluated 2025-12-20.

Conditions:
Marfan syndrome (MFS). Also called: Marfan syndrome, classic; Marfan syndrome type 1; Marfan's syndrome; FBN1-Related Marfan Syndrome; MARFAN SYNDROME, TYPE I. Identifiers: Orphanet 284963, Orphanet 558, MedGen C0024796, MONDO:0007947, OMIM 154700.
Familial thoracic aortic aneurysm and aortic dissection (TAAD). Also called: Thoracic aortic aneurysms and dissections. Identifiers: Orphanet 91387, MedGen C4707243, MONDO:0019625.

Allele frequency attached by ClinVar (database versions not stated): gnomAD exomes 0.00003 and 0.00002; gnomAD 0.00013 and 0.00012; ExAC 0.00003; TOPMed 0.00012; ESP Exome Variant Server 0.00015.
gnomAD v4.1: 42 of 1,601,490 alleles (0.0026%); highest among the groups gnomAD compares: African/African-American, 0.052%; no homozygotes.

Submissions (3):

Labcorp Genetics (formerly Invitae), Labcorp
Classification: Likely benign for Marfan syndrome; Familial thoracic aortic aneurysm and aortic dissection. Last evaluated: 2025-12-20. Review status: criteria provided, single submitter. Criteria: Invitae Variant Classification Sherloc (09022015). Collection method: clinical testing. Allele origin: germline.

All of Us Research Program, National Institutes of Health
Classification: Likely benign for Marfan syndrome. Last evaluated: 2024-08-06. Review status: criteria provided, single submitter. Criteria: ACMG Guidelines, 2015. Collection method: clinical testing. Allele origin: germline. Inheritance: Autosomal dominant inheritance. Observed: 10 variant alleles, 10 heterozygotes.
Comment: This study involves interpretation of variants in research participants for the purpose of population health screening. Participant phenotype was not available at the time of variant classification. Additional details can be found in publication PMID: 35346344, PMCID: PMC8962531

Color Diagnostics, LLC DBA Color Health
Classification: Likely benign for Familial thoracic aortic aneurysm and aortic dissection. Last evaluated: 2024-02-05. Review status: criteria provided, single submitter. Criteria: ACMG Guidelines, 2015. Collection method: clinical testing. Allele origin: germline.